The following is an entry in ClinVar:

NM_001161352.2(KCNMA1):c.1952A>C (p.His651Pro)

Gene: KCNMA1 (potassium calcium-activated channel subfamily M alpha 1; minus strand). Cytogenetic location: 10q22.3.
Variant type: single nucleotide variant.
Coding change: c.1952A>C on transcript NM_001161352.2 (MANE Select); coding-DNA position 1952, A replaced by C.
Protein change: p.His651Pro; replaces histidine 651 with proline.
Molecular consequence: missense variant.
Genome position (GRCh38, 1-based): chr10:77,019,076, T>G on the plus strand (A>C on the coding strand, the complement: KCNMA1 is on the minus strand). VCF-style: chr10-77019076-T-G. GRCh37 (hg19) VCF-style: chr10-78778834-T-G.
Other names: c.1964A>C, p.His655Pro (NM_001014797.3, NM_001322830.2, NM_001322835.2 and 1 more transcripts); c.1952A>C, p.His651Pro (NM_001161353.2, NM_001271519.2, NM_001322829.2 and 3 more transcripts); c.1802A>C, p.His601Pro (NM_001271518.2); c.1412A>C, p.His471Pro (NM_001322838.2); short protein forms H655P, H471P, H601P, H651P.
Identifiers: ClinVar variation 664178 (VCV000664178.9), dbSNP rs200013065, ClinGen allele CA210090997.

ClinVar aggregate classification (germline): Uncertain significance (1 of 4 stars; one submission).

Conditions:
Generalized epilepsy-paroxysmal dyskinesia syndrome (PNKD3). Also called: Generalized epilepsy and paroxysmal dyskinesia; Paroxysmal nonkinesigenic dyskinesia, 3, with or without generalized epilepsy. Identifiers: Orphanet 79137, MedGen C5574945, MONDO:0012276, OMIM 609446.

gnomAD v4.1: 1 of 1,582,492 alleles (0.000063%); highest among the groups gnomAD compares: Non-Finnish European, 0.000087%; no homozygotes.

Submission:

Labcorp Genetics (formerly Invitae), Labcorp
Classification: Uncertain significance for Generalized epilepsy-paroxysmal dyskinesia syndrome. Last evaluated: 2018-12-19. Review status: criteria provided, single submitter. Criteria: Invitae Variant Classification Sherloc (09022015). Collection method: clinical testing. Allele origin: germline.
Comment: This sequence change replaces histidine with proline at codon 651 of the KCNMA1 protein (p.His651Pro). The histidine residue is highly conserved and there is a moderate physicochemical difference between histidine and proline. This variant is not present in population databases (ExAC no frequency). This variant has not been reported in the literature in individuals with KCNMA1-related conditions. Algorithms developed to predict the effect of missense changes on protein structure and function are either unavailable or do not agree on the potential impact of this missense change (SIFT: "Tolerated"; PolyPhen-2: "Possibly Damaging"; Align-GVGD: "Class C0"). In summary, the available evidence is currently insufficient to determine the role of this variant in disease. Therefore, it has been classified as a Variant of Uncertain Significance.